The following is an entry in ClinVar:

ClinVar aggregate classification (germline): Likely benign. Review status: criteria provided, multiple submitters, no conflicts (2 of 4 stars). 2 submissions from 2 submitters: Likely benign (2). Last evaluated 2024-11-07.

Conditions:
Landau-Kleffner syndrome (FESD). Also called: EPILEPSY, FOCAL, WITH SPEECH DISORDER AND WITH OR WITHOUT MENTAL RETARDATION; APHASIA, ACQUIRED, WITH EPILEPSY. Identifiers: Orphanet 1945, Orphanet 725, Orphanet 98818, MedGen C0282512, MONDO:0009509, OMIM 245570.

Allele frequency attached by ClinVar (database versions not stated): ExAC 0.00004; gnomAD exomes 0.00004 and 0.00002; TOPMed 0.00001; gnomAD 0.00001.
gnomAD v4.1: 27 of 1,613,960 alleles (0.0017%); highest among the groups gnomAD compares: East Asian, 0.036%; no homozygotes.

Submissions (2):

Labcorp Genetics (formerly Invitae), Labcorp
Classification: Likely benign for Landau-Kleffner syndrome. Last evaluated: 2024-11-07. Review status: criteria provided, single submitter. Criteria: Invitae Variant Classification Sherloc (09022015). Collection method: clinical testing. Allele origin: germline.

CeGaT Center for Human Genetics Tuebingen
Classification: Likely benign. Last evaluated: 2024-04-01. Review status: criteria provided, single submitter. Criteria: CeGaT Center For Human Genetics Tuebingen Variant Classification Criteria Version 2. Collection method: clinical testing. Allele origin: germline. Affected: yes. Observed: 1 variant allele.
Comment: GRIN2A: BP4, BP7

NM_001134407.3(GRIN2A):c.4275G>A (p.Ser1425=)

Gene: GRIN2A (glutamate ionotropic receptor NMDA type subunit 2A; minus strand). Cytogenetic location: 16p13.2.
Variant type: single nucleotide variant.
Coding change: c.4275G>A on transcript NM_001134407.3 (MANE Select); coding-DNA position 4275, G replaced by A.
Protein change: p.Ser1425=; no amino-acid change (serine 1425 retained).
Molecular consequence: synonymous variant. On other transcripts: 3 prime UTR variant (1).
Genome position (GRCh38, 1-based): chr16:9,763,269, C>T on the plus strand (G>A on the coding strand, the complement: GRIN2A is on the minus strand). VCF-style: chr16-9763269-C-T. GRCh37 (hg19) VCF-style: chr16-9857126-C-T.
Other names: c.4275G>A, p.Ser1425= (NM_000833.5); c.*86G>A (NM_001134408.2).
Identifiers: ClinVar variation 1624757 (VCV001624757.28), dbSNP rs778315936, ClinGen allele CA7896184.